The following is an entry in ClinVar:

NM_001130987.2(DYSF):c.3875T>C (p.Phe1292Ser)

Gene: DYSF (dysferlin; plus strand). Cytogenetic location: 2p13.2.
Variant type: single nucleotide variant.
Coding change: c.3875T>C on transcript NM_001130987.2 (MANE Select); coding-DNA position 3875, T replaced by C.
Protein change: p.Phe1292Ser; replaces phenylalanine 1292 with serine.
Molecular consequence: missense variant.
Genome position (GRCh38, 1-based): chr2:71,600,820, T>C. VCF-style: chr2-71600820-T-C. GRCh37 (hg19) VCF-style: chr2-71827950-T-C.
Other names: c.3824T>C, p.Phe1275Ser (NM_001130455.2, NM_001130983.2); c.3779T>C, p.Phe1260Ser (NM_001130976.2, NM_001130977.2); c.3821T>C, p.Phe1274Ser (NM_001130978.2, NM_003494.4); c.3914T>C, p.Phe1305Ser (NM_001130979.2); c.3872T>C, p.Phe1291Ser (NM_001130980.2, NM_001130981.2); c.3917T>C, p.Phe1306Ser (NM_001130982.2); c.3782T>C, p.Phe1261Ser (NM_001130984.2, NM_001130986.2); c.3875T>C, p.Phe1292Ser (NM_001130985.2); short protein forms F1260S, F1261S, F1274S, F1275S, F1291S, F1292S, F1305S, F1306S.
Identifiers: ClinVar variation 2441131 (VCV002441131.5), dbSNP rs893838515, ClinGen allele CA49771574.

ClinVar aggregate classification (germline): Uncertain significance. Review status: criteria provided, multiple submitters, no conflicts (2 of 4 stars). 3 submissions from 3 submitters: Uncertain significance (3). Last evaluated 2026-01-22.

Conditions:
Inborn genetic diseases. Identifiers: MedGen C0950123, MeSH D030342.
Neuromuscular disease caused by qualitative or quantitative defects of dysferlin. Also called: Qualitative or quantitative defects of dysferlin; Dysferlinopathy. Identifiers: Orphanet 207073, MedGen C2931687, MONDO:0016145.

Allele frequency attached by ClinVar (database versions not stated): gnomAD exomes below 0.00001; gnomAD 0.00002; TOPMed 0.00005.
gnomAD v4.1: 4 of 1,612,468 alleles (0.00025%); highest among the groups gnomAD compares: Admixed American, 0.005%; no homozygotes.

Submissions (3):

Labcorp Genetics (formerly Invitae), Labcorp
Classification: Uncertain significance for Neuromuscular disease caused by qualitative or quantitative defects of dysferlin. Last evaluated: 2026-01-22. Review status: criteria provided, single submitter. Criteria: Invitae Variant Classification Sherloc (09022015). Collection method: clinical testing. Allele origin: germline.
Comment: This sequence change replaces phenylalanine, which is neutral and non-polar, with serine, which is neutral and polar, at codon 1274 of the DYSF protein (p.Phe1274Ser). The frequency data for this variant in the population databases is considered unreliable, as metrics indicate poor data quality at this position in the gnomAD database. This variant has not been reported in the literature in individuals affected with DYSF-related conditions. ClinVar contains an entry for this variant (Variation ID: 2441131). Invitae Evidence Modeling of protein sequence and biophysical properties (such as structural, functional, and spatial information, amino acid conservation, physicochemical variation, residue mobility, and thermodynamic stability) indicates that this missense variant is not expected to disrupt DYSF protein function with a negative predictive value of 95%. In summary, the available evidence is currently insufficient to determine the role of this variant in disease. Therefore, it has been classified as a Variant of Uncertain Significance.

Ambry Genetics
Classification: Uncertain significance for Inborn genetic diseases. Last evaluated: 2023-12-22. Review status: criteria provided, single submitter. Criteria: Ambry Variant Classification Scheme 2023. Collection method: clinical testing. Allele origin: germline.

Revvity Omics, Revvity
Classification: Uncertain significance. Last evaluated: 2020-06-27. Review status: criteria provided, single submitter. Criteria: ACMG Guidelines, 2015. Collection method: clinical testing. Allele origin: germline.